The following is an entry in ClinVar:

ClinVar aggregate classification (germline): Pathogenic (1 of 4 stars; one submission).

Conditions:
Gorlin syndrome. Also called: Basal cell nevus syndrome; Nevoid Basal Cell Carcinoma Syndrome. Identifiers: Orphanet 377, MedGen C0004779, MONDO:0007187.

Submission:

Labcorp Genetics (formerly Invitae), Labcorp
Classification: Pathogenic for Gorlin syndrome. Last evaluated: 2019-01-28. Review status: criteria provided, single submitter. Criteria: Invitae Variant Classification Sherloc (09022015). Collection method: clinical testing. Allele origin: germline.
Comment: This sequence change creates a premature translational stop signal (p.His634Glnfs*59) in the PTCH1 gene. It is expected to result in an absent or disrupted protein product. This variant is not present in population databases (ExAC no frequency). This variant has not been reported in the literature in individuals with PTCH1-related conditions. Loss-of-function variants in PTCH1 are known to be pathogenic (PMID: 16301862, 16419085). For these reasons, this variant has been classified as Pathogenic.

Literature cited by the submitters: PubMed 16301862; PubMed 16419085.

NM_000264.5(PTCH1):c.1902del (p.His634fs)

Genes: PTCH1 (patched 1; minus strand), LOC100507346 (uncharacterized LOC100507346; plus strand). Cytogenetic location: 9q22.32.
Variant type: Deletion.
Coding change: c.1902del on transcript NM_000264.5 (MANE Select); coding-DNA position 1902, one base deleted (C; older notation c.1902delC).
Protein change: p.His634fs; shifts the reading frame from histidine 634.
Molecular consequence: frameshift variant. On other transcripts: non-coding transcript variant (2).
Genome position (GRCh38, 1-based): chr9:95,469,099, G deleted on the plus strand (C on the coding strand, the reverse complement: PTCH1 is on the minus strand). VCF-style (leftmost placement, unchanged base first): chr9-95469098-CG-C. GRCh37 (hg19) VCF-style: chr9-98231380-CG-C.
Other names: c.1899del, p.His633fs (NM_001083603.3); c.1449del, p.His483fs (NM_001083604.3, NM_001083605.3, NM_001083606.3 and 1 more transcripts); c.1704del, p.His568fs (NM_001083602.3); c.1746del, p.His582fs (NM_001354918.2); short protein forms H568fs, H582fs, H633fs, H634fs, H483fs.
Identifiers: ClinVar variation 839416 (VCV000839416.8), dbSNP rs1840319154, ClinGen allele CA916081549.